The following is an entry in ClinVar:

NM_015570.4(AUTS2):c.2794G>A (p.Glu932Lys)

Gene: AUTS2 (activator of transcription and developmental regulator AUTS2; plus strand). Cytogenetic location: 7q11.22.
Variant type: single nucleotide variant.
Coding change: c.2794G>A on transcript NM_015570.4 (MANE Select); coding-DNA position 2794, G replaced by A.
Protein change: p.Glu932Lys; replaces glutamic acid 932 with lysine.
Molecular consequence: missense variant.
Genome position (GRCh38, 1-based): chr7:70,790,010, G>A. VCF-style: chr7-70790010-G-A. GRCh37 (hg19) VCF-style: chr7-70254996-G-A.
Other names: c.2722G>A, p.Glu908Lys (NM_001127231.3); short protein forms E908K, E932K.
Identifiers: ClinVar variation 3363450 (VCV003363450.1).

ClinVar aggregate classification (germline): Uncertain significance (1 of 4 stars; one submission).

gnomAD v4.1: 1 of 1,595,742 alleles (0.000063%); highest among the groups gnomAD compares: Non-Finnish European, 0.000085%; no homozygotes.

Submission:

GeneDx
Classification: Uncertain significance. Last evaluated: 2023-10-25. Review status: criteria provided, single submitter. Criteria: GeneDx Variant Classification Process June 2021. Collection method: clinical testing. Allele origin: germline. Affected: yes.
Comment: Has not been previously published as pathogenic or benign to our knowledge; Not observed at significant frequency in large population cohorts (gnomAD); In silico analysis supports that this missense variant does not alter protein structure/function